The following is an entry in ClinVar:

NM_022726.4(ELOVL4):c.28A>C (p.Ser10Arg)

Gene: ELOVL4 (ELOVL fatty acid elongase 4; minus strand). Cytogenetic location: 6q14.1.
Variant type: single nucleotide variant.
Coding change: c.28A>C on transcript NM_022726.4 (MANE Select); coding-DNA position 28, A replaced by C.
Protein change: p.Ser10Arg; replaces serine 10 with arginine.
Molecular consequence: missense variant.
Genome position (GRCh38, 1-based): chr6:79,947,252, T>G on the plus strand (A>C on the coding strand, the complement: ELOVL4 is on the minus strand). VCF-style: chr6-79947252-T-G. GRCh37 (hg19) VCF-style: chr6-80656969-T-G.
Other names: short protein forms S10R.
Identifiers: ClinVar variation 2127713 (VCV002127713.4), dbSNP rs1220179210, ClinGen allele CA364658880.

ClinVar aggregate classification (germline): Uncertain significance (1 of 4 stars; one submission).

Submission:

Labcorp Genetics (formerly Invitae), Labcorp
Classification: Uncertain significance. Last evaluated: 2022-04-18. Review status: criteria provided, single submitter. Criteria: Invitae Variant Classification Sherloc (09022015). Collection method: clinical testing. Allele origin: germline.
Comment: In summary, the available evidence is currently insufficient to determine the role of this variant in disease. Therefore, it has been classified as a Variant of Uncertain Significance. Algorithms developed to predict the effect of missense changes on protein structure and function output the following: SIFT: "Tolerated"; PolyPhen-2: "Benign"; Align-GVGD: "Class C0". The arginine amino acid residue is found in multiple mammalian species, which suggests that this missense change does not adversely affect protein function. This variant has not been reported in the literature in individuals affected with ELOVL4-related conditions. This variant is not present in population databases (gnomAD no frequency). This sequence change replaces serine, which is neutral and polar, with arginine, which is basic and polar, at codon 10 of the ELOVL4 protein (p.Ser10Arg).